The following is an entry in ClinVar:

ClinVar aggregate classification (germline): Uncertain significance. Review status: criteria provided, multiple submitters, no conflicts (2 of 4 stars). 2 submissions from 2 submitters: Uncertain significance (2). Last evaluated 2023-10-13.

Conditions:
Inborn genetic diseases. Identifiers: MedGen C0950123, MeSH D030342.
Joubert syndrome 22 (JBTS22). Identifiers: Orphanet 2754, MedGen C3810278, MONDO:0014297, OMIM 615665.

gnomAD v4.1: 4 of 1,610,672 alleles (0.00025%); highest among the groups gnomAD compares: South Asian, 0.0011%; no homozygotes.

Submissions (2):

Labcorp Genetics (formerly Invitae), Labcorp
Classification: Uncertain significance for Joubert syndrome 22. Last evaluated: 2023-10-13. Review status: criteria provided, single submitter. Criteria: Invitae Variant Classification Sherloc (09022015). Collection method: clinical testing. Allele origin: germline.
Comment: This sequence change replaces arginine, which is basic and polar, with tryptophan, which is neutral and slightly polar, at codon 23 of the PDE6D protein (p.Arg23Trp). This variant is not present in population databases (gnomAD no frequency). This variant has not been reported in the literature in individuals affected with PDE6D-related conditions. ClinVar contains an entry for this variant (Variation ID: 1441438). An algorithm developed to predict the effect of missense changes on protein structure and function (PolyPhen-2) suggests that this variant is likely to be disruptive. Algorithms developed to predict the effect of sequence changes on RNA splicing suggest that this variant may disrupt the consensus splice site. In summary, the available evidence is currently insufficient to determine the role of this variant in disease. Therefore, it has been classified as a Variant of Uncertain Significance.

Ambry Genetics
Classification: Uncertain significance for Inborn genetic diseases. Last evaluated: 2021-08-13. Review status: criteria provided, single submitter. Criteria: Ambry Variant Classification Scheme 2023. Collection method: clinical testing. Allele origin: germline.

NM_002601.4(PDE6D):c.67C>T (p.Arg23Trp)

Gene: PDE6D (phosphodiesterase 6D; minus strand). Cytogenetic location: 2q37.1.
Variant type: single nucleotide variant.
Coding change: c.67C>T on transcript NM_002601.4 (MANE Select); coding-DNA position 67, C replaced by T.
Protein change: p.Arg23Trp; replaces arginine 23 with tryptophan.
Molecular consequence: missense variant.
Genome position (GRCh38, 1-based): chr2:231,739,172, G>A on the plus strand (C>T on the coding strand, the complement: PDE6D is on the minus strand). VCF-style: chr2-231739172-G-A. GRCh37 (hg19) VCF-style: chr2-232603882-G-A.
Other names: c.67C>T, p.Arg23Trp (NM_001291018.2); c.67C>T (NM_002601.2); short protein forms R23W.
Identifiers: ClinVar variation 1441438 (VCV001441438.5), dbSNP rs570163390, ClinGen allele CA66889925.
Genomic context (GRCh38, chr2:231,739,172, plus strand): 5'-CACCAGGGACAGACAGGTCTTCTGTTCCTTGCCAGAGTATCTTCCCTGTCTCAGCATCCC[G>A]AAGGTTCATCCAATTTCTGATCAAATATGACTAAGGAAAAATAAGGCACTGAAAGTGACT-3'
Protein context (NP_002592.1, residues 13-33): RGFKLNWMNL[Arg23Trp]DAETGKILWQ